The following is an entry in ClinVar:

NM_174916.3(UBR1):c.850G>C (p.Glu284Gln)

Gene: UBR1 (ubiquitin protein ligase E3 component n-recognin 1; minus strand). Cytogenetic location: 15q15.2.
Variant type: single nucleotide variant.
Coding change: c.850G>C on transcript NM_174916.3 (MANE Select); coding-DNA position 850, G replaced by C.
Protein change: p.Glu284Gln; replaces glutamic acid 284 with glutamine.
Molecular consequence: missense variant.
Genome position (GRCh38, 1-based): chr15:43,060,063, C>G on the plus strand (G>C on the coding strand, the complement: UBR1 is on the minus strand). VCF-style: chr15-43060063-C-G. GRCh37 (hg19) VCF-style: chr15-43352261-C-G.
Other names: short protein forms E284Q.
Identifiers: ClinVar variation 373119 (VCV000373119.3), dbSNP rs747313563, ClinGen allele CA7518905.

ClinVar aggregate classification (germline): Uncertain significance. Review status: criteria provided, multiple submitters, no conflicts (2 of 4 stars). 2 submissions from 2 submitters: Uncertain significance (2). Last evaluated 2022-06-27.

Allele frequency attached by ClinVar (database versions not stated): TOPMed 0.00001; gnomAD exomes 0.00002; ExAC 0.00003.
gnomAD v4.1: 34 of 1,614,098 alleles (0.0021%); highest among the groups gnomAD compares: Middle Eastern, 0.12%; no homozygotes.

Submissions (2):

Labcorp Genetics (formerly Invitae), Labcorp
Classification: Uncertain significance. Last evaluated: 2022-06-27. Review status: criteria provided, single submitter. Criteria: Invitae Variant Classification Sherloc (09022015). Collection method: clinical testing. Allele origin: germline.
Comment: This sequence change replaces glutamic acid, which is acidic and polar, with glutamine, which is neutral and polar, at codon 284 of the UBR1 protein (p.Glu284Gln). This variant is present in population databases (rs747313563, gnomAD 0.003%). This variant has not been reported in the literature in individuals affected with UBR1-related conditions. ClinVar contains an entry for this variant (Variation ID: 373119). Algorithms developed to predict the effect of missense changes on protein structure and function are either unavailable or do not agree on the potential impact of this missense change (SIFT: "Deleterious"; PolyPhen-2: "Benign"; Align-GVGD: "Class C0"). In summary, the available evidence is currently insufficient to determine the role of this variant in disease. Therefore, it has been classified as a Variant of Uncertain Significance.

GeneDx
Classification: Uncertain significance. Last evaluated: 2016-11-22. Review status: criteria provided, single submitter. Criteria: GeneDx Variant Classification (06012015). Collection method: clinical testing. Allele origin: germline. Affected: yes.
Comment: The E284Q variant in the UBR1 gene has not been reported previously as a pathogenic variant, nor as a benign variant, to our knowledge. The E284Q variant was not observed in approximately 6500 individuals of European and African American ancestry in the NHLBI Exome Sequencing Project, indicating it is not a common benign variant in these populations. The E284Q variant is a semi-conservative amino acid substitution, which may impact secondary protein structure as these residues differ in some properties. This substitution occurs at a position where amino acids with similar properties to Glutamic Acid are tolerated across species. In silico analysis is inconsistent in its predictions as to whether or not the variant is damaging to the protein structure/function. We interpret E284Q as a variant of uncertain significance.